The following is an entry in ClinVar:

ClinVar aggregate classification (germline): Uncertain significance. Review status: criteria provided, single submitter (1 of 4 stars). 2 submissions from 2 submitters: Uncertain significance (1). 1 of the submissions does not count toward it. Last evaluated 2023-09-23.

Conditions:
MEPE-related disorder. Also called: MEPE-related condition.

Allele frequency attached by ClinVar (database versions not stated): ESP Exome Variant Server 0.00123.
gnomAD v4.1: 175 of 1,613,968 alleles (0.011%); highest among the groups gnomAD compares: African/African-American, 0.18%; no homozygotes.

Submissions (2):

Ambry Genetics
Classification: Uncertain significance. Last evaluated: 2023-09-23. Review status: criteria provided, single submitter. Criteria: Ambry Variant Classification Scheme 2023. Collection method: clinical testing. Allele origin: germline.

PreventionGenetics, part of Exact Sciences
Classification: Likely benign for MEPE-related condition. Last evaluated: 2024-03-21. Review status: no assertion criteria provided. Collection method: clinical testing. Allele origin: germline. Not counted in ClinVar's aggregate classification.
Comment: This variant is classified as likely benign based on ACMG/AMP sequence variant interpretation guidelines (Richards et al. 2015 PMID: 25741868, with internal and published modifications).

NM_020203.6(MEPE):c.980C>T (p.Ala327Val)

Genes: MEPE (matrix extracellular phosphoglycoprotein; plus strand), MEPE-AS1 (MEPE and IBSP antisense RNA 1; minus strand). Cytogenetic location: 4q22.1.
Variant type: single nucleotide variant.
Coding change: c.980C>T on transcript NM_020203.6 (MANE Select); coding-DNA position 980, C replaced by T.
Protein change: p.Ala327Val; replaces alanine 327 with valine.
Molecular consequence: missense variant.
Genome position (GRCh38, 1-based): chr4:87,845,848, C>T. VCF-style: chr4-87845848-C-T. GRCh37 (hg19) VCF-style: chr4-88767000-C-T.
Other names: c.1073C>T (NM_001291183.1); c.980C>T, p.Ala327Val (NM_001184694.3); c.641C>T, p.Ala214Val (NM_001184695.4, NM_001184696.2, NM_001184697.2); c.1073C>T, p.Ala358Val (NM_001291183.2); short protein forms A358V, A214V, A327V.
Identifiers: ClinVar variation 3125358 (VCV003125358.2), dbSNP rs112583476, ClinGen allele CA3002765.